The following is an entry in ClinVar:

ClinVar aggregate classification (germline): Pathogenic/Likely pathogenic. Review status: criteria provided, multiple submitters, no conflicts (2 of 4 stars). 2 submissions from 2 submitters: Pathogenic (1); Likely pathogenic (1). Last evaluated 2025-10-30.

Conditions:
Coffin-Siris syndrome 12. Identifiers: MedGen C5444111, MONDO:0025699, OMIM 619325.

Submissions (2):

3billion
Classification: Pathogenic for Coffin-Siris syndrome 12. Last evaluated: 2025-10-30. Review status: criteria provided, single submitter. Criteria: ACMG Guidelines, 2015. Collection method: clinical testing. Allele origin: germline. Affected: yes.
Comment: The variant is not observed in the gnomAD v4.1.0 dataset. Predicted Consequence/Location: Stop-gained (nonsense): predicted to result in a loss or disruption of normal protein function through nonsense-mediated decay (NMD) or protein truncation. Multiple pathogenic variants are reported downstream of the variant. The variant has been reported to be associated with BICRA-related disorder (ClinVar ID: VCV000996777 /PMID: 37500730). Therefore, this variant is classified as Pathogenic according to the recommendation of ACMG/AMP guideline.

Institute of Medical Genetics and Applied Genomics, University Hospital Tübingen
Classification: Likely pathogenic. Last evaluated: 2021-02-01. Review status: criteria provided, single submitter. Criteria: ACMG Guidelines, 2015. Collection method: clinical testing. Allele origin: germline. Inheritance: Unknown mechanism. Affected: yes.

Literature cited by the submitters: PubMed 37500730 (cited by 3billion).

NM_001394372.1(BICRA):c.868C>T (p.Gln290Ter)

Gene: BICRA (BRD4 interacting chromatin remodeling complex associated protein; plus strand). Cytogenetic location: 19q13.33.
Variant type: single nucleotide variant.
Coding change: c.868C>T on transcript NM_001394372.1 (MANE Select); coding-DNA position 868, C replaced by T.
Protein change: p.Gln290Ter; replaces glutamine 290 with a stop codon.
Molecular consequence: nonsense.
Genome position (GRCh38, 1-based): chr19:47,680,038, C>T. VCF-style: chr19-47680038-C-T. GRCh37 (hg19) VCF-style: chr19-48183295-C-T.
Other names: c.868C>T, p.Gln290Ter (NM_015711.3); short protein forms Q290*.
Identifiers: ClinVar variation 996777 (VCV000996777.3), dbSNP rs1210103414, ClinGen allele CA406610863.
Genomic context (GRCh38, chr19:47,680,038, plus strand): 5'-TCGGAGCCCGTGACGCTGGCGTCGGCCGGTGTCTCGCCACAGGGGGCTGGCCTGGTCATC[C>T]AGAAGAACCTCTCGGCCGCTGTGGCCACCACGCTCAATGGGAACTCTGTGTTCGGAGGCG-3'